The following is an entry in ClinVar:

ClinVar aggregate classification (germline): Uncertain significance. Review status: criteria provided, multiple submitters, no conflicts (2 of 4 stars). 2 submissions from 2 submitters: Uncertain significance (2). Last evaluated 2024-07-22.

gnomAD v4.1: 13 of 1,602,574 alleles (0.00081%); highest among the groups gnomAD compares: African/African-American, 0.0094%; no homozygotes.

Submissions (2):

Ambry Genetics
Classification: Uncertain significance. Last evaluated: 2024-07-22. Review status: criteria provided, single submitter. Criteria: Ambry Variant Classification Scheme 2023. Collection method: clinical testing. Allele origin: germline.

Labcorp Genetics (formerly Invitae), Labcorp
Classification: Uncertain significance. Last evaluated: 2024-06-16. Review status: criteria provided, single submitter. Criteria: Invitae Variant Classification Sherloc (09022015). Collection method: clinical testing. Allele origin: germline.
Comment: This sequence change replaces serine, which is neutral and polar, with phenylalanine, which is neutral and non-polar, at codon 154 of the MKL1 protein (p.Ser154Phe). This variant is present in population databases (rs527791745, gnomAD 0.02%). This variant has not been reported in the literature in individuals affected with MKL1-related conditions. An algorithm developed to predict the effect of missense changes on protein structure and function (PolyPhen-2) suggests that this variant is likely to be tolerated. In summary, the available evidence is currently insufficient to determine the role of this variant in disease. Therefore, it has been classified as a Variant of Uncertain Significance.

NM_020831.6(MRTFA):c.761C>T (p.Ser254Phe)

Gene: MRTFA (myocardin related transcription factor A; minus strand). Cytogenetic location: 22q13.1.
Variant type: single nucleotide variant.
Coding change: c.761C>T on transcript NM_020831.6 (MANE Select); coding-DNA position 761, C replaced by T.
Protein change: p.Ser254Phe; replaces serine 254 with phenylalanine.
Molecular consequence: missense variant.
Genome position (GRCh38, 1-based): chr22:40,424,222, G>A on the plus strand (C>T on the coding strand, the complement: MRTFA is on the minus strand). VCF-style: chr22-40424222-G-A. GRCh37 (hg19) VCF-style: chr22-40820226-G-A.
Other names: c.461C>T, p.Ser154Phe (NM_001282660.2); c.761C>T, p.Ser254Phe (NM_001282661.3, NM_001282662.3); c.566C>T, p.Ser189Phe (NM_001318139.2); short protein forms S154F, S189F, S254F.
Identifiers: ClinVar variation 3398422 (VCV003398422.3).